The following is an entry in ClinVar:

ClinVar aggregate classification (germline): Uncertain significance (1 of 4 stars; one submission).

Conditions:
Chromosome 2q32-q33 deletion syndrome (GLASS). Also called: Glass syndrome; 2q33.1 deletion syndrome. Identifiers: Orphanet 251019, MedGen C2676739, MONDO:0012864, OMIM 612313.

Allele frequency attached by ClinVar (database versions not stated): gnomAD exomes 0.00001; TOPMed 0.00001.
gnomAD v4.1: 4 of 1,614,080 alleles (0.00025%); highest among the groups gnomAD compares: Admixed American, 0.005%; no homozygotes.

Submission:

Labcorp Genetics (formerly Invitae), Labcorp
Classification: Uncertain significance for Chromosome 2q32-q33 deletion syndrome. Last evaluated: 2023-05-23. Review status: criteria provided, single submitter. Criteria: Invitae Variant Classification Sherloc (09022015). Collection method: clinical testing. Allele origin: germline.
Comment: In summary, the available evidence is currently insufficient to determine the role of this variant in disease. Therefore, it has been classified as a Variant of Uncertain Significance. Advanced modeling of protein sequence and biophysical properties (such as structural, functional, and spatial information, amino acid conservation, physicochemical variation, residue mobility, and thermodynamic stability) performed at Invitae indicates that this missense variant is not expected to disrupt SATB2 protein function. This variant has not been reported in the literature in individuals affected with SATB2-related conditions. This variant is present in population databases (no rsID available, gnomAD 0.01%). This sequence change replaces proline, which is neutral and non-polar, with threonine, which is neutral and polar, at codon 576 of the SATB2 protein (p.Pro576Thr).

NM_001172509.2(SATB2):c.1726C>A (p.Pro576Thr)

Gene: SATB2 (SATB homeobox 2; minus strand). Cytogenetic location: 2q33.1.
Variant type: single nucleotide variant.
Coding change: c.1726C>A on transcript NM_001172509.2 (MANE Select); coding-DNA position 1726, C replaced by A.
Protein change: p.Pro576Thr; replaces proline 576 with threonine.
Molecular consequence: missense variant.
Genome position (GRCh38, 1-based): chr2:199,308,774, G>T on the plus strand (C>A on the coding strand, the complement: SATB2 is on the minus strand). VCF-style: chr2-199308774-G-T. GRCh37 (hg19) VCF-style: chr2-200173497-G-T.
Other names: c.1726C>A, p.Pro576Thr (NM_001172517.1, NM_015265.4); short protein forms P576T.
Identifiers: ClinVar variation 2873262 (VCV002873262.3), dbSNP rs749170294, ClinGen allele CA350384271.